The following is an entry in ClinVar:

NM_012254.3(SLC27A5):c.694C>T (p.Arg232Trp)

Gene: SLC27A5 (solute carrier family 27 member 5; minus strand). Cytogenetic location: 19q13.43.
Variant type: single nucleotide variant.
Coding change: c.694C>T on transcript NM_012254.3 (MANE Select); coding-DNA position 694, C replaced by T.
Protein change: p.Arg232Trp; replaces arginine 232 with tryptophan.
Molecular consequence: missense variant.
Genome position (GRCh38, 1-based): chr19:58,510,925, G>A on the plus strand (C>T on the coding strand, the complement: SLC27A5 is on the minus strand). VCF-style: chr19-58510925-G-A. GRCh37 (hg19) VCF-style: chr19-59022292-G-A.
Other names: c.442C>T, p.Arg148Trp (NM_001321196.2); short protein forms R148W, R232W.
Identifiers: ClinVar variation 3351406 (VCV003351406.1).

ClinVar aggregate classification (germline): Uncertain significance (0 of 4 stars; one submission).

Conditions:
SLC27A5-related disorder. Also called: SLC27A5-related condition.

Submission:

PreventionGenetics, part of Exact Sciences
Classification: Uncertain significance for SLC27A5-related condition. Last evaluated: 2024-03-08. Review status: no assertion criteria provided. Collection method: clinical testing. Allele origin: germline.
Comment: The SLC27A5 c.694C>T variant is predicted to result in the amino acid substitution p.Arg232Trp. To our knowledge, this variant has not been reported in the literature. This variant is reported in 0.0030% of alleles in individuals of Latino descent in gnomAD. At this time, the clinical significance of this variant is uncertain due to the absence of conclusive functional and genetic evidence.